The following is an entry in ClinVar:

ClinVar aggregate classification (germline): Pathogenic (1 of 4 stars; one submission).

Submission:

Labcorp Genetics (formerly Invitae), Labcorp
Classification: Pathogenic. Last evaluated: 2024-12-24. Review status: criteria provided, single submitter. Criteria: Invitae Variant Classification Sherloc (09022015). Collection method: clinical testing. Allele origin: germline.
Comment: This sequence change creates a premature translational stop signal (p.Val1622Profs*22) in the GREB1L gene. It is expected to result in an absent or disrupted protein product. Loss-of-function variants in GREB1L are known to be pathogenic (PMID: 29100090, 29100091). This variant is not present in population databases (gnomAD no frequency). This variant has not been reported in the literature in individuals affected with GREB1L-related conditions. For these reasons, this variant has been classified as Pathogenic.

Literature cited by the submitters: PubMed 29100090; PubMed 29100091.

NM_001142966.3(GREB1L):c.4860_4861del (p.Val1622fs)

Gene: GREB1L (GREB1 like retinoic acid receptor coactivator; plus strand). Cytogenetic location: 18q11.2.
Variant type: Deletion.
Coding change: c.4860_4861del on transcript NM_001142966.3 (MANE Select); coding-DNA positions 4860 to 4861, 2 bases deleted (AT; older notation c.4860_4861delAT).
Protein change: p.Val1622fs; shifts the reading frame from valine 1622.
Molecular consequence: frameshift variant.
Genome position (GRCh38, 1-based): chr18:21,513,945-21,513,946, AT deleted. VCF-style (leftmost placement, unchanged base first): chr18-21513944-CAT-C. GRCh37 (hg19) VCF-style: chr18-19093905-CAT-C.
Other names: c.4989_4990del, p.Val1665fs (NM_001410867.1); c.4533_4534del, p.Val1513fs (NM_001410868.1); short protein forms V1513fs, V1622fs, V1665fs.
Identifiers: ClinVar variation 3727887 (VCV003727887.2).